The following is an entry in ClinVar:

NM_138694.4(PKHD1):c.1602+2T>C

Gene: PKHD1 (PKHD1 ciliary IPT domain containing fibrocystin/polyductin; minus strand). Cytogenetic location: 6p12.2.
Variant type: single nucleotide variant.
Coding change: c.1602+2T>C on transcript NM_138694.4 (MANE Select); the canonical splice donor site of the intron after coding-DNA position 1602, T replaced by C.
Molecular consequence: splice donor variant.
Genome position (GRCh38, 1-based): chr6:52,056,888, A>G on the plus strand (T>C on the coding strand, the complement: PKHD1 is on the minus strand). VCF-style: chr6-52056888-A-G. GRCh37 (hg19) VCF-style: chr6-51921686-A-G.
Other names: c.1602+2T>C (NM_170724.3, NM_138694.3).
Identifiers: ClinVar variation 2103360 (VCV002103360.6), dbSNP rs1479728870, ClinGen allele CA364425051.

ClinVar aggregate classification (germline): Pathogenic/Likely pathogenic. Review status: criteria provided, multiple submitters, no conflicts (2 of 4 stars). 3 submissions from 3 submitters: Pathogenic (1); Likely pathogenic (2). Last evaluated 2026-01-19.

Conditions:
Autosomal recessive polycystic kidney disease (ARPKD). Also called: AR polycystic kidney disease. Identifiers: Orphanet 731, Orphanet 8378, MedGen C0085548, MeSH D017044, MONDO:0009889.
Polycystic kidney disease 4 (PKD4). Also called: POLYCYSTIC KIDNEY AND HEPATIC DISEASE 1; POLYCYSTIC KIDNEY DISEASE, INFANTILE, TYPE I; Autosomal Recessive Polycystic Kidney Disease – PKHD1; POLYCYSTIC KIDNEY DISEASE 4 WITH OR WITHOUT POLYCYSTIC LIVER DISEASE; PKD3. Identifiers: MedGen C4540575, MONDO:0033004, OMIM 263200.

Allele frequency attached by ClinVar (database versions not stated): gnomAD 0.00001; gnomAD exomes 0.00001.
gnomAD v4.1: 4 of 1,611,298 alleles (0.00025%); highest among the groups gnomAD compares: Non-Finnish European, 0.00034%; no homozygotes.

Submissions (3):

Labcorp Genetics (formerly Invitae), Labcorp
Classification: Likely pathogenic for Autosomal recessive polycystic kidney disease. Last evaluated: 2026-01-19. Review status: criteria provided, single submitter. Criteria: Invitae Variant Classification Sherloc (09022015). Collection method: clinical testing. Allele origin: germline.
Comment: This sequence change affects a donor splice site in intron 17 of the PKHD1 gene. It is expected to disrupt RNA splicing. Variants that disrupt the donor or acceptor splice site typically lead to a loss of protein function (PMID: 16199547), and loss-of-function variants in PKHD1 are known to be pathogenic (PMID: 19940839). This variant is present in population databases (no rsID available, gnomAD 0.007%). Disruption of this splice site has been observed in individual(s) with atypical polycystic kidney disease (PMID: 33437033). ClinVar contains an entry for this variant (Variation ID: 2103360). Algorithms developed to predict the effect of sequence changes on RNA splicing suggest that this variant may disrupt the consensus splice site. In summary, the currently available evidence indicates that the variant is pathogenic, but additional data are needed to prove that conclusively. Therefore, this variant has been classified as Likely Pathogenic.

Natera, Inc.
Classification: Likely pathogenic for Autosomal recessive polycystic kidney disease. Last evaluated: 2025-06-23. Review status: criteria provided, single submitter. Criteria: Natera Variant Classification Schema (03/2026). Collection method: clinical testing. Allele origin: germline.
Comment: The c.1602+2T>C variant in PKHD1 is a canonical splice donor site variant predicted to affect pre-mRNA splicing, which may result in an abnormal transcript and altered protein product. This variant is expected to result in nonsense mediated decay, truncation, or a dysfunctional protein product. This variant is rare in the general population with a frequency below the threshold expected for the associated phenotype(s). Given the available evidence, this variant is classified as Likely Pathogenic.

Fulgent Genetics
Classification: Pathogenic for Polycystic kidney disease 4. Last evaluated: 2024-03-05. Review status: criteria provided, single submitter. Criteria: ACMG Guidelines, 2015. Collection method: clinical testing. Allele origin: germline.

Literature cited by the submitters: PubMed 16199547 (cited by Labcorp Genetics (formerly Invitae), Labcorp); PubMed 19940839 (cited by Labcorp Genetics (formerly Invitae), Labcorp); PubMed 33437033 (cited by Labcorp Genetics (formerly Invitae), Labcorp).